The following is an entry in ClinVar:

ClinVar aggregate classification (germline): Uncertain significance (1 of 4 stars; one submission).

Conditions:
Pheochromocytoma/paraganglioma syndrome 4. Also called: CAROTID BODY TUMORS AND MULTIPLE EXTRAADRENAL PHEOCHROMOCYTOMAS; SDHB-Related Hereditary Paraganglioma-Pheochromocytoma Syndrome (Paragangliomas 4); SDHB-Related Hereditary Paraganglioma-Pheochromocytoma Syndrome; PARAGANGLIOMA, FAMILIAL MALIGNANT; PARAGANGLIOMAS, HEREDITARY EXTRAADRENAL; PHEOCHROMOCYTOMA, FAMILIAL EXTRAADRENAL. Identifiers: Orphanet 29072, MedGen C1861848, MONDO:0007273, OMIM 115310.
Gastrointestinal stromal tumor. Also called: Gastrointestinal stromal tumor, somatic; Gastrointestinal stroma tumor. Identifiers: Orphanet 44890, MedGen C0238198, MeSH D046152, MONDO:0011719, OMIM 606764, HP:0100723.
Pheochromocytoma. Also called: MAX-Related Hereditary Paraganglioma-Pheochromocytoma Syndrome. Identifiers: Orphanet 29072, MedGen C0031511, MONDO:0008233, OMIM 171300, HP:0002666.

Submission:

Labcorp Genetics (formerly Invitae), Labcorp
Classification: Uncertain significance for Gastrointestinal stromal tumor; Pheochromocytoma/paraganglioma syndrome 4; Pheochromocytoma. Last evaluated: 2019-11-20. Review status: criteria provided, single submitter. Criteria: Invitae Variant Classification Sherloc (09022015). Collection method: clinical testing. Allele origin: germline.
Comment: This sequence change falls in intron 7 of the SDHB gene. It does not directly change the encoded amino acid sequence of the SDHB protein, but it affects a nucleotide within the consensus splice site of the intron. This variant is not present in population databases (ExAC no frequency). This variant has not been reported in the literature in individuals with SDHB-related conditions. Nucleotide substitutions within the consensus splice site are a relatively common cause of aberrant splicing (PMID: 17576681, 9536098). Algorithms developed to predict the effect of sequence changes on RNA splicing suggest that this variant may disrupt the consensus splice site, but this prediction has not been confirmed by published transcriptional studies. In summary, the available evidence is currently insufficient to determine the role of this variant in disease. Therefore, it has been classified as a Variant of Uncertain Significance.

Literature cited by the submitters: PubMed 17576681; PubMed 9536098.

NM_003000.3(SDHB):c.765+3A>T

Gene: SDHB (succinate dehydrogenase complex iron sulfur subunit B; minus strand). Cytogenetic location: 1p36.13.
Variant type: single nucleotide variant.
Coding change: c.765+3A>T on transcript NM_003000.3 (MANE Select); 3 bases into the intron after coding-DNA position 765, A replaced by T.
Molecular consequence: intron variant.
Genome position (GRCh38, 1-based): chr1:17,022,605, T>A on the plus strand (A>T on the coding strand, the complement: SDHB is on the minus strand). VCF-style: chr1-17022605-T-A. GRCh37 (hg19) VCF-style: chr1-17349100-T-A.
Identifiers: ClinVar variation 837850 (VCV000837850.7), dbSNP rs2077967877, ClinGen allele CA916081283.